The following is an entry in ClinVar:

ClinVar aggregate classification (germline): Uncertain significance (1 of 4 stars; one submission).

Submission:

GeneDx
Classification: Uncertain significance. Last evaluated: 2023-05-07. Review status: criteria provided, single submitter. Criteria: GeneDx Variant Classification Process June 2021. Collection method: clinical testing. Allele origin: germline. Affected: yes.
Comment: Not observed at significant frequency in large population cohorts (gnomAD); In silico analysis supports that this missense variant has a deleterious effect on protein structure/function; Has not been previously published as pathogenic or benign to our knowledge

NM_001042750.2(STAG2):c.1960A>G (p.Arg654Gly)

Gene: STAG2 (STAG2 cohesin complex component; plus strand). Cytogenetic location: Xq25.
Variant type: single nucleotide variant.
Coding change: c.1960A>G on transcript NM_001042750.2 (MANE Select); coding-DNA position 1960, A replaced by G.
Protein change: p.Arg654Gly; replaces arginine 654 with glycine.
Molecular consequence: missense variant.
Genome position (GRCh38, 1-based): chrX:124,063,986, A>G. VCF-style: chrX-124063986-A-G. GRCh37 (hg19) VCF-style: chrX-123197836-A-G.
Other names: c.1960A>G, p.Arg654Gly (NM_001042749.2, NM_001042751.2, NM_001282418.2 and 13 more transcripts); short protein forms R654G.
Identifiers: ClinVar variation 1710578 (VCV001710578.3), dbSNP rs2521834723, ClinGen allele CA414272920.